The following is an entry in ClinVar:

ClinVar aggregate classification (germline): Uncertain significance (1 of 4 stars; one submission).

Conditions:
COG5-congenital disorder of glycosylation. Also called: CDG IIi; COG5-CDG; CONGENITAL DISORDER OF GLYCOSYLATION, TYPE IIi. Identifiers: Orphanet 263487, MedGen C3150876, MONDO:0013325, OMIM 613612.

gnomAD v4.1: 1 of 1,555,882 alleles (0.000064%); highest among the groups gnomAD compares: East Asian, 0.0022%; no homozygotes.

Submission:

Labcorp Genetics (formerly Invitae), Labcorp
Classification: Uncertain significance for COG5-congenital disorder of glycosylation. Last evaluated: 2025-07-06. Review status: criteria provided, single submitter. Criteria: Invitae Variant Classification Sherloc (09022015). Collection method: clinical testing. Allele origin: germline.
Comment: This sequence change replaces aspartic acid, which is acidic and polar, with glycine, which is neutral and non-polar, at codon 218 of the COG5 protein (p.Asp218Gly). This variant is present in population databases (rs760807804, gnomAD 0.006%). This variant has not been reported in the literature in individuals affected with COG5-related conditions. Invitae Evidence Modeling of protein sequence and biophysical properties (such as structural, functional, and spatial information, amino acid conservation, physicochemical variation, residue mobility, and thermodynamic stability) indicates that this missense variant is not expected to disrupt COG5 protein function with a negative predictive value of 80%. In summary, the available evidence is currently insufficient to determine the role of this variant in disease. Therefore, it has been classified as a Variant of Uncertain Significance.

NM_006348.5(COG5):c.560A>G (p.Asp187Gly)

Gene: COG5 (component of oligomeric golgi complex 5; minus strand). Cytogenetic location: 7q22.3.
Variant type: single nucleotide variant.
Coding change: c.560A>G on transcript NM_006348.5 (MANE Select); coding-DNA position 560, A replaced by G.
Protein change: p.Asp187Gly; replaces aspartic acid 187 with glycine.
Molecular consequence: missense variant. On other transcripts: intron variant (2).
Genome position (GRCh38, 1-based): chr7:107,412,611, T>C on the plus strand (A>G on the coding strand, the complement: COG5 is on the minus strand). VCF-style: chr7-107412611-T-C. GRCh37 (hg19) VCF-style: chr7-107053056-T-C.
Other names: c.560A>G, p.Asp187Gly (NM_001161520.2, NM_001379511.1, NM_001379512.1 and 3 more transcripts); c.235-50501A>G (NM_001379516.1); c.539-114265A>G (NM_001379515.1); short protein forms D187G.
Identifiers: ClinVar variation 4706939 (VCV004706939.1).